The following is an entry in ClinVar:

NM_006218.4(PIK3CA):c.3013A>C (p.Met1005Leu)

Gene: PIK3CA (phosphatidylinositol-4,5-bisphosphate 3-kinase catalytic subunit alpha; plus strand). Cytogenetic location: 3q26.32.
Variant type: single nucleotide variant.
Coding change: c.3013A>C on transcript NM_006218.4 (MANE Select); coding-DNA position 3013, A replaced by C.
Protein change: p.Met1005Leu; replaces methionine 1005 with leucine.
Molecular consequence: missense variant.
Genome position (GRCh38, 1-based): chr3:179,234,170, A>C. VCF-style: chr3-179234170-A-C. GRCh37 (hg19) VCF-style: chr3-178951958-A-C.
Other names: short protein forms M1005L.
Identifiers: ClinVar variation 4136803 (VCV004136803.1).

ClinVar aggregate classification (germline): Uncertain significance (1 of 4 stars; one submission).

Conditions:
Inborn genetic diseases. Identifiers: MedGen C0950123, MeSH D030342.

Submission:

Ambry Genetics
Classification: Uncertain significance for Inborn genetic diseases. Last evaluated: 2025-08-20. Review status: criteria provided, single submitter. Criteria: Ambry Variant Classification Scheme 2023. Collection method: clinical testing. Allele origin: germline.
Comment: The p.M1005L variant (also known as c.3013A>C), located in coding exon 20 of the PIK3CA gene, results from an A to C substitution at nucleotide position 3013. The methionine at codon 1005 is replaced by leucine, an amino acid with highly similar properties. This amino acid position is conserved. In addition, the in silico prediction for this alteration is inconclusive. Based on the available evidence, the clinical significance of this variant remains unclear.